The following is an entry in ClinVar:

ClinVar aggregate classification (germline): Likely pathogenic (1 of 4 stars; one submission).

Conditions:
Cardiovascular phenotype. Identifiers: MedGen CN230736.

Submission:

Ambry Genetics
Classification: Likely pathogenic for Cardiovascular phenotype. Last evaluated: 2025-07-24. Review status: criteria provided, single submitter. Criteria: Ambry Variant Classification Scheme 2023. Collection method: clinical testing. Allele origin: germline.
Comment: The c.43954_43955delGA variant, located in coding exon 153 of the TTN gene, results from a deletion of two nucleotides at nucleotide positions 43954 to 43955, causing a translational frameshift with a predicted alternate stop codon (p.D14652Cfs*8). This exon is located in the A-band region of the N2-B isoform of the titin protein and is constitutively expressed in TTN transcripts (percent spliced in or PSI 100%). This variant is considered to be rare based on population cohorts in the Genome Aggregation Database (gnomAD). This variant is expected to result in loss of function by premature protein truncation or nonsense-mediated mRNA decay. While truncating variants in TTN are present in 1-3% of the general population, truncating variants in the A-band are the most common cause of dilated cardiomyopathy (Herman DS et al. N. Engl. J. Med., 2012 Feb;366:619-28; Roberts AM et al. Sci Transl Med, 2015 Jan;7:270ra6). TTN truncating variants encoded in constitutive exons (PSI >90%) have been found to be significantly associated with DCM regardless of their position in titin (Schafer S et al. Nat. Genet., 2017 01;49:46-53; Akhtar MM et al. Circ Heart Fail, 2020 Oct;13:e006832; Massier M et al. Clin Genet, 2025 Jan). Based on the majority of available evidence to date, this variant is likely to be pathogenic.

NM_001267550.2(TTN):c.71149_71150del (p.Asp23717fs)

Genes: TTN (titin; minus strand), TTN-AS1 (TTN antisense RNA 1; plus strand). Cytogenetic location: 2q31.2.
Variant type: Deletion.
Coding change: c.71149_71150del on transcript NM_001267550.2 (MANE Select); coding-DNA positions 71149 to 71150, 2 bases deleted (GA; older notation c.71149_71150delGA).
Protein change: p.Asp23717fs; shifts the reading frame from aspartic acid 23717.
Molecular consequence: frameshift variant.
Genome position (GRCh38, 1-based): chr2:178,574,982-178,574,983, TC deleted on the plus strand (GA on the coding strand, the reverse complement: TTN is on the minus strand). VCF-style (leftmost placement, unchanged base first): chr2-178574981-ATC-A. GRCh37 (hg19) VCF-style: chr2-179439708-ATC-A.
Other names: c.66226_66227del, p.Asp22076fs (NM_001256850.1); c.43954_43955del, p.Asp14652fs (NM_003319.4); c.63445_63446del, p.Asp21149fs (NM_133378.4); c.44329_44330del, p.Asp14777fs (NM_133432.3); c.44530_44531del, p.Asp14844fs (NM_133437.4); c.43954_43955delGA (NM_003319.4); short protein forms D22076fs, D14652fs, D14777fs, D14844fs, D21149fs, D23717fs.
Identifiers: ClinVar variation 4193735 (VCV004193735.1).